The following is an entry in ClinVar:

ClinVar aggregate classification (germline): Pathogenic (1 of 4 stars; one submission).

Submission:

Labcorp Genetics (formerly Invitae), Labcorp
Classification: Pathogenic. Last evaluated: 2019-12-23. Review status: criteria provided, single submitter. Criteria: Invitae Variant Classification Sherloc (09022015). Collection method: clinical testing. Allele origin: germline.
Comment: For these reasons, this variant has been classified as Pathogenic. This sequence change creates a premature translational stop signal (p.Gly196*) in the TYMP gene. It is expected to result in an absent or disrupted protein product. This variant is not present in population databases (ExAC no frequency). This variant has not been reported in the literature in individuals with TYMP-related conditions. Loss-of-function variants in TYMP are known to be pathogenic (PMID: 9924029, 15781193).

Literature cited by the submitters: PubMed 9924029; PubMed 15781193.

NM_001953.5(TYMP):c.586G>T (p.Gly196Ter)

Gene: TYMP (thymidine phosphorylase; minus strand). Cytogenetic location: 22q13.33.
Variant type: single nucleotide variant.
Coding change: c.586G>T on transcript NM_001953.5 (MANE Select); coding-DNA position 586, G replaced by T.
Protein change: p.Gly196Ter; replaces glycine 196 with a stop codon.
Molecular consequence: nonsense.
Genome position (GRCh38, 1-based): chr22:50,527,648, C>A on the plus strand (G>T on the coding strand, the complement: TYMP is on the minus strand). VCF-style: chr22-50527648-C-A. GRCh37 (hg19) VCF-style: chr22-50966077-C-A.
Other names: c.586G>T, p.Gly196Ter (NM_001113755.3, NM_001113756.3, NM_001257988.1 and 1 more transcripts); short protein forms G196*.
Identifiers: ClinVar variation 854521 (VCV000854521.8), dbSNP rs367723039, ClinGen allele CA412201245.